The following is an entry in ClinVar:

ClinVar aggregate classification (germline): Uncertain significance. Review status: criteria provided, multiple submitters, no conflicts (2 of 4 stars). 2 submissions from 2 submitters: Uncertain significance (2). Last evaluated 2025-04-20.

Conditions:
Inborn genetic diseases. Identifiers: MedGen C0950123, MeSH D030342.
Glycogen storage disease IXd (GSD9D). Also called: Muscle Phosphorylase Kinase Deficiency; GSD IXd. Identifiers: Orphanet 715, MedGen C1845151, MONDO:0010362, OMIM 300559.

Allele frequency attached by ClinVar (database versions not stated): gnomAD 0.00001; TOPMed 0.00001.
gnomAD v4.1: 1 of 1,203,550 alleles (0.000083%); highest among the groups gnomAD compares: Admixed American, 0.0022%; no homozygotes.

Submissions (2):

Ambry Genetics
Classification: Uncertain significance for Inborn genetic diseases. Last evaluated: 2025-04-20. Review status: criteria provided, single submitter. Criteria: Ambry Variant Classification Scheme 2023. Collection method: clinical testing. Allele origin: germline.

Labcorp Genetics (formerly Invitae), Labcorp
Classification: Uncertain significance for Glycogen storage disease IXd. Last evaluated: 2024-11-11. Review status: criteria provided, single submitter. Criteria: Invitae Variant Classification Sherloc (09022015). Collection method: clinical testing. Allele origin: germline.
Comment: This sequence change replaces glycine, which is neutral and non-polar, with aspartic acid, which is acidic and polar, at codon 990 of the PHKA1 protein (p.Gly990Asp). This variant is present in population databases (no rsID available, gnomAD 0.2%). This variant has not been reported in the literature in individuals affected with PHKA1-related conditions. ClinVar contains an entry for this variant (Variation ID: 2167612). Invitae Evidence Modeling of protein sequence and biophysical properties (such as structural, functional, and spatial information, amino acid conservation, physicochemical variation, residue mobility, and thermodynamic stability) indicates that this missense variant is not expected to disrupt PHKA1 protein function with a negative predictive value of 80%. In summary, the available evidence is currently insufficient to determine the role of this variant in disease. Therefore, it has been classified as a Variant of Uncertain Significance.

NM_002637.4(PHKA1):c.2969G>A (p.Gly990Asp)

Gene: PHKA1 (phosphorylase kinase regulatory subunit alpha 1; minus strand). Cytogenetic location: Xq13.1.
Variant type: single nucleotide variant.
Coding change: c.2969G>A on transcript NM_002637.4 (MANE Select); coding-DNA position 2969, G replaced by A.
Protein change: p.Gly990Asp; replaces glycine 990 with aspartic acid.
Molecular consequence: missense variant.
Genome position (GRCh38, 1-based): chrX:72,602,222, C>T on the plus strand (G>A on the coding strand, the complement: PHKA1 is on the minus strand). VCF-style: chrX-72602222-C-T. GRCh37 (hg19) VCF-style: chrX-71822072-C-T.
Other names: c.2969G>A, p.Gly990Asp (NM_001122670.2); c.2792G>A, p.Gly931Asp (NM_001172436.2); c.2969G>A (NM_002637.3); short protein forms G931D, G990D.
Identifiers: ClinVar variation 2167612 (VCV002167612.5), dbSNP rs1429837175, ClinGen allele CA413587730.